The following is an entry in ClinVar:

NM_001080517.3(SETD5):c.4306A>T (p.Lys1436Ter)

Gene: SETD5 (SET domain containing 5; plus strand). Cytogenetic location: 3p25.3.
Variant type: single nucleotide variant.
Coding change: c.4306A>T on transcript NM_001080517.3 (MANE Select); coding-DNA position 4306, A replaced by T.
Protein change: p.Lys1436Ter; replaces lysine 1436 with a stop codon.
Molecular consequence: nonsense.
Genome position (GRCh38, 1-based): chr3:9,476,068, A>T. VCF-style: chr3-9476068-A-T. GRCh37 (hg19) VCF-style: chr3-9517752-A-T.
Other names: c.4012A>T, p.Lys1338Ter (NM_001292043.2, NM_001349451.2); short protein forms K1338*, K1436*.
Identifiers: ClinVar variation 1878605 (VCV001878605.1), dbSNP rs2473996812, ClinGen allele CA351695734.

ClinVar aggregate classification (germline): Uncertain significance (1 of 4 stars; one submission).

Conditions:
Intellectual disability-facial dysmorphism syndrome due to SETD5 haploinsufficiency (MRD23). Also called: Intellectual developmental disorder, autosomal dominant 23. Identifiers: Orphanet 404440, MedGen C3810406, MONDO:0014336, OMIM 615761.

Submission:

Neuberg Centre For Genomic Medicine, NCGM
Classification: Uncertain significance for Intellectual disability-facial dysmorphism syndrome due to SETD5 haploinsufficiency. Review status: criteria provided, single submitter. Criteria: ACMG Guidelines, 2015. Collection method: clinical testing. Allele origin: germline. Affected: yes.
Comment: The variant c.4306A>T (p.Lys1436Ter) in SETD5 gene has not been reported previously as a pathogenic variant nor as a benign variant, to our knowledge. The variant p.Lys1436Ter is novel (not in any individuals) in gnomAD Exomes and 1000 Genomes. The nucleotide change in SETD5 is predicted as conserved by GERP++ and PhyloP across 100 vertebrates. Loss of function variants have been previously reported to be disease causing. However since this variant is present in the last exon/penultimate exon functional studies will be required to prove protein truncation. For these reasons, this variant has been classified as Variant of Uncertain Significance (VUS).